The following is an entry in ClinVar:

ClinVar aggregate classification (germline): Conflicting classifications of pathogenicity. Review status: criteria provided, conflicting classifications (1 of 4 stars). 3 submissions from 3 submitters: Pathogenic (1); Uncertain significance (1). 1 of the submissions does not count toward it. Last evaluated 2024-10-16.

Conditions:
Pulmonary arterial hypertension related to hereditary hemorrhagic telangiectasia. Also called: PULMONARY ARTERIAL HYPERTENSION, HEREDITARY HEMORRHAGIC TELANGIECTASIA-RELATED. Identifiers: MedGen C1832529.
Telangiectasia, hereditary hemorrhagic, type 2 (HHT2). Also called: ACVRL1-Related Hereditary Hemorrhagic Telangiectasia; Telangiectasia, hereditary hemorrhagic, type II. Identifiers: Orphanet 774, MedGen C1838163, MONDO:0010880, OMIM 600376. Disease mechanism: loss of function.

Submissions (3):

ARUP Laboratories, Molecular Genetics and Genomics, ARUP Laboratories
Classification: Uncertain significance for Telangiectasia, hereditary hemorrhagic, type 2. Last evaluated: 2024-10-16. Review status: criteria provided, single submitter. Criteria: ARUP Molecular Germline Variant Investigation Process 2024. Collection method: clinical testing. Allele origin: germline.
Comment: The ACVRL1 c.1124A>G; p.Tyr375Cys variant (rs1085307416) is reported in the literature in two individuals with clinical features of hereditary hemorrhagic telangiectasia (HHT) (Chen 2013, Kim 2021). This variant is absent from the Genome Aggregation Database (v2.1.1), indicating it is not a common polymorphism. Computational analyses predict that this variant is deleterious (REVEL: 0.977). Additionally, another variant at this codon (c.1123T>C, p.Tyr375His) has been reported in a family with HHT; however its clinical significance remains uncertain (Abdalla 2003). Due to limited information, the clinical significance of the p.Tyr375Cys variant is uncertain at this time. References: Abdalla SA et al. Visceral manifestations in hereditary haemorrhagic telangiectasia type 2. J Med Genet. 2003 Jul;40(7):494-502. PMID: 12843319. Chen YJ et al. Clinical and genetic characteristics of Chinese patients with hereditary haemorrhagic telangiectasia-associated pulmonary hypertension. Eur J Clin Invest. 2013 Oct;43(10):1016-24. PMID: 23919827. Kim BG et al. Genetic Variants and Clinical Phenotypes in Korean Patients With Hereditary Hemorrhagic Telangiectasia. Clin Exp Otorhinolaryngol. 2021 Nov;14(4):399-406. PMID: 33677851.

Labcorp Genetics (formerly Invitae), Labcorp
Classification: Pathogenic for Telangiectasia, hereditary hemorrhagic, type 2. Last evaluated: 2024-05-01. Review status: criteria provided, single submitter. Criteria: Invitae Variant Classification Sherloc (09022015). Collection method: clinical testing. Allele origin: germline.
Comment: This sequence change replaces tyrosine, which is neutral and polar, with cysteine, which is neutral and slightly polar, at codon 375 of the ACVRL1 protein (p.Tyr375Cys). This variant is not present in population databases (gnomAD no frequency). This missense change has been observed in individuals with hereditary hemorrhagic telangiectasia (HHT) and/or pulmonary arterial hypertension (PMID: 23919827; Invitae). It has also been observed to segregate with disease in related individuals. ClinVar contains an entry for this variant (Variation ID: 426024). Advanced modeling of protein sequence and biophysical properties (such as structural, functional, and spatial information, amino acid conservation, physicochemical variation, residue mobility, and thermodynamic stability) performed at Invitae indicates that this missense variant is expected to disrupt ACVRL1 protein function with a positive predictive value of 95%. This variant disrupts the p.Tyr375 amino acid residue in ACVRL1. Other variant(s) that disrupt this residue have been determined to be pathogenic (PMID: 12843319). This suggests that this residue is clinically significant, and that variants that disrupt this residue are likely to be disease-causing. For these reasons, this variant has been classified as Pathogenic.

Rare Disease Genomics Group, St George's University of London
Classification: Pathogenic for Pulmonary arterial hypertension related to hereditary hemorrhagic telangiectasia. Review status: no assertion criteria provided. Collection method: literature only. Allele origin: germline. Affected: yes. Not counted in ClinVar's aggregate classification.

Literature cited by the submitters: PubMed 23919827 (cited by Labcorp Genetics (formerly Invitae), Labcorp and Rare Disease Genomics Group, St George's University of London); PubMed 12843319 (cited by Labcorp Genetics (formerly Invitae), Labcorp).

NM_000020.3(ACVRL1):c.1124A>G (p.Tyr375Cys)

Gene: ACVRL1 (activin A receptor like type 1; plus strand). Cytogenetic location: 12q13.13.
Variant type: single nucleotide variant.
Coding change: c.1124A>G on transcript NM_000020.3 (MANE Select); coding-DNA position 1124, A replaced by G.
Protein change: p.Tyr375Cys; replaces tyrosine 375 with cysteine.
Molecular consequence: missense variant.
Genome position (GRCh38, 1-based): chr12:51,916,111, A>G. VCF-style: chr12-51916111-A-G. GRCh37 (hg19) VCF-style: chr12-52309895-A-G.
Other names: c.1124A>G, p.Tyr375Cys (NM_001077401.2); short protein forms Y375C.
Identifiers: ClinVar variation 426024 (VCV000426024.12), dbSNP rs1085307416, ClinGen allele CA384902433.